The following is an entry in ClinVar:

ClinVar aggregate classification (germline): Uncertain significance (1 of 4 stars; one submission).

Conditions:
Hereditary spastic paraplegia 49 (HSAN9). Also called: TECPR2-Related Hereditary Sensory and Autonomic Neuropathy with Intellectual Disability; NEUROPATHY, HEREDITARY SENSORY AND AUTONOMIC, TYPE IX, WITH DEVELOPMENTAL DELAY; Spastic paraplegia 49, autosomal recessive. Identifiers: Orphanet 320385, MedGen C5190860, MONDO:0014016, OMIM 615031.

Allele frequency attached by ClinVar (database versions not stated): gnomAD exomes 0.00004; gnomAD 0.00005; TOPMed 0.00006; ExAC 0.00008; 1000 Genomes Project 0.00020; 1000 Genomes Project 30x 0.00031.
gnomAD v4.1: 70 of 1,614,206 alleles (0.0043%); highest among the groups gnomAD compares: Admixed American, 0.012%; no homozygotes.

Submission:

Labcorp Genetics (formerly Invitae), Labcorp
Classification: Uncertain significance for Hereditary spastic paraplegia 49. Last evaluated: 2024-07-29. Review status: criteria provided, single submitter. Criteria: Invitae Variant Classification Sherloc (09022015). Collection method: clinical testing. Allele origin: germline.
Comment: This sequence change replaces glutamic acid, which is acidic and polar, with lysine, which is basic and polar, at codon 867 of the TECPR2 protein (p.Glu867Lys). This variant is present in population databases (rs200843101, gnomAD 0.1%). This variant has not been reported in the literature in individuals affected with TECPR2-related conditions. ClinVar contains an entry for this variant (Variation ID: 2046674). An algorithm developed to predict the effect of missense changes on protein structure and function (PolyPhen-2) suggests that this variant is likely to be disruptive. In summary, the available evidence is currently insufficient to determine the role of this variant in disease. Therefore, it has been classified as a Variant of Uncertain Significance.

NM_014844.5(TECPR2):c.2599G>A (p.Glu867Lys)

Gene: TECPR2 (tectonin beta-propeller repeat containing 2; plus strand). Cytogenetic location: 14q32.31.
Variant type: single nucleotide variant.
Coding change: c.2599G>A on transcript NM_014844.5 (MANE Select); coding-DNA position 2599, G replaced by A.
Protein change: p.Glu867Lys; replaces glutamic acid 867 with lysine.
Molecular consequence: missense variant.
Genome position (GRCh38, 1-based): chr14:102,440,456, G>A. VCF-style: chr14-102440456-G-A. GRCh37 (hg19) VCF-style: chr14-102906793-G-A.
Other names: c.2599G>A, p.Glu867Lys (NM_001172631.3); short protein forms E867K.
Identifiers: ClinVar variation 2046674 (VCV002046674.2), dbSNP rs200843101, ClinGen allele CA7357995.
Genomic context (GRCh38, chr14:102,440,456, plus strand): 5'-AGTATTTATTGGACAGTGAATAGAATTTTTATTTCCATAGGAGCCCTTCTCTGGAAGATT[G>A]AACAGAAATCTAACCGGGCTTTTGCTTGTGGGAAAGTCACCATCAAGGGGAAGCGGCACT-3'
Protein context (NP_055659.2, residues 857-877): SPSGALLWKI[Glu867Lys]QKSNRAFACG